The following is an entry in ClinVar:

NM_015443.4(KANSL1):c.695C>A (p.Ser232Tyr)

Gene: KANSL1 (KAT8 regulatory NSL complex subunit 1). Cytogenetic location: 17q21.31.
Variant type: single nucleotide variant.
Coding change: c.695C>A on transcript NM_015443.4 (MANE Select); coding-DNA position 695, C replaced by A.
Protein change: p.Ser232Tyr; replaces serine 232 with tyrosine.
Molecular consequence: missense variant.
Genome position (GRCh38, 1-based): chr17:46,171,449, G>T on the plus strand (C>A on the coding strand, the complement: KANSL1 is on the minus strand). VCF-style: chr17-46171449-G-T. GRCh37 (hg19) VCF-style: chr17-44248815-G-T.
Other names: c.695C>A, p.Ser232Tyr (NM_001193465.2, NM_001193466.2, NM_001379198.1); short protein forms S232Y.
Identifiers: ClinVar variation 956271 (VCV000956271.9), dbSNP rs770400570, ClinGen allele CA8618993.
Genomic context (GRCh38, chr17:46,171,449, plus strand): 5'-GTACCAGGTGATAATCTACTGCTTCCTTGAAGTGCCGGCTGTTCCATGGAATTGACAGAG[G>T]ATTTGTTTGCAGTGCTATTATTGCTATACAAAGTTGTGTGTTCTACATCAAGGCTTCTAT-3'
Protein context (NP_056258.1, residues 222-242): LYSNNSTANK[Ser232Tyr]SVNSMEQPAL

ClinVar aggregate classification (germline): Uncertain significance (1 of 4 stars; one submission).

Conditions:
Koolen-de Vries syndrome (KDVS). Identifiers: Orphanet 96169, MedGen C1864871, MONDO:0012496, OMIM 610443.

Allele frequency attached by ClinVar (database versions not stated): ExAC 0.00001.

Submission:

Labcorp Genetics (formerly Invitae), Labcorp
Classification: Uncertain significance for Koolen-de Vries syndrome. Last evaluated: 2022-09-06. Review status: criteria provided, single submitter. Criteria: Invitae Variant Classification Sherloc (09022015). Collection method: clinical testing. Allele origin: germline.
Comment: This variant has not been reported in the literature in individuals with KANSL1-related conditions. Due to the possible presence of a polymorphic segmental duplication, the location of the variant could not be unambiguously resolved. Variants with ambiguous mapping are still reported relative to the KANSL1 transcript. This sequence change replaces serine, which is neutral and polar, with tyrosine, which is neutral and polar, at codon 232 of the KANSL1 protein (p.Ser232Tyr). This variant is present in population databases (rs770400570, gnomAD 0.0009%). ClinVar contains an entry for this variant (Variation ID: 956271). Algorithms developed to predict the effect of missense changes on protein structure and function (SIFT, PolyPhen-2, Align-GVGD) all suggest that this variant is likely to be disruptive. Until the location of this sequence change can be resolved, the clinical significance of this variant remains uncertain. It has been classified as a Variant of Uncertain Significance.